The following is an entry in ClinVar:

ClinVar aggregate classification (germline): Uncertain significance (1 of 4 stars; one submission).

Conditions:
Deficiency of butyryl-CoA dehydrogenase (ACADSD). Also called: Short-Chain Acyl-CoA Dehydrogenase Deficiency; SCAD Deficiency; SCADH DEFICIENCY; ACADS DEFICIENCY; SCAD DEFICIENCY, MILD; ACYL-CoA DEHYDROGENASE, SHORT-CHAIN, DEFICIENCY OF. Identifiers: Orphanet 26792, MedGen C0342783, MONDO:0008722, OMIM 201470. Disease mechanism: May be benign.

Allele frequency attached by ClinVar (database versions not stated): TOPMed 0.00001.
gnomAD v4.1: 7 of 1,614,098 alleles (0.00043%); highest among the groups gnomAD compares: Non-Finnish European, 0.00051%; no homozygotes.

Submission:

Labcorp Genetics (formerly Invitae), Labcorp
Classification: Uncertain significance for Deficiency of butyryl-CoA dehydrogenase. Last evaluated: 2023-02-20. Review status: criteria provided, single submitter. Criteria: Invitae Variant Classification Sherloc (09022015). Collection method: clinical testing. Allele origin: germline.
Comment: In summary, the available evidence is currently insufficient to determine the role of this variant in disease. Therefore, it has been classified as a Variant of Uncertain Significance. Advanced modeling of protein sequence and biophysical properties (such as structural, functional, and spatial information, amino acid conservation, physicochemical variation, residue mobility, and thermodynamic stability) performed at Invitae indicates that this missense variant is expected to disrupt ACADS protein function. This variant has not been reported in the literature in individuals affected with ACADS-related conditions. This variant is not present in population databases (gnomAD no frequency). This sequence change replaces isoleucine, which is neutral and non-polar, with asparagine, which is neutral and polar, at codon 186 of the ACADS protein (p.Ile186Asn).

NM_000017.4(ACADS):c.557T>A (p.Ile186Asn)

Gene: ACADS (acyl-CoA dehydrogenase short chain; plus strand). Cytogenetic location: 12q24.31.
Variant type: single nucleotide variant.
Coding change: c.557T>A on transcript NM_000017.4 (MANE Select); coding-DNA position 557, T replaced by A.
Protein change: p.Ile186Asn; replaces isoleucine 186 with asparagine.
Molecular consequence: missense variant. On other transcripts: intron variant (1).
Genome position (GRCh38, 1-based): chr12:120,737,921, T>A. VCF-style: chr12-120737921-T-A. GRCh37 (hg19) VCF-style: chr12-121175724-T-A.
Other names: c.473-128T>A (NM_001302554.2); short protein forms I186N.
Identifiers: ClinVar variation 2737837 (VCV002737837.3), dbSNP rs1408462903, ClinGen allele CA386614661.